The following is an entry in ClinVar:

ClinVar aggregate classification (germline): Uncertain significance (1 of 4 stars; one submission).

Allele frequency attached by ClinVar (database versions not stated): TOPMed 0.00001; gnomAD 0.00002; ExAC 0.00005; gnomAD exomes 0.00005; ESP Exome Variant Server 0.00023.
gnomAD v4.1: 67 of 1,611,678 alleles (0.0042%); highest among the groups gnomAD compares: Non-Finnish European, 0.0056%; no homozygotes.

Submission:

Labcorp Genetics (formerly Invitae), Labcorp
Classification: Uncertain significance. Last evaluated: 2024-12-23. Review status: criteria provided, single submitter. Criteria: Invitae Variant Classification Sherloc (09022015). Collection method: clinical testing. Allele origin: germline.
Comment: This sequence change replaces glycine, which is neutral and non-polar, with serine, which is neutral and polar, at codon 14 of the CEP63 protein (p.Gly14Ser). This variant is present in population databases (rs137894197, gnomAD 0.006%). This variant has not been reported in the literature in individuals affected with CEP63-related conditions. ClinVar contains an entry for this variant (Variation ID: 2968193). An algorithm developed to predict the effect of missense changes on protein structure and function outputs the following: PolyPhen-2: "Benign". The serine amino acid residue is found in multiple mammalian species, which suggests that this missense change does not adversely affect protein function. In summary, the available evidence is currently insufficient to determine the role of this variant in disease. Therefore, it has been classified as a Variant of Uncertain Significance.

NM_001353108.3(CEP63):c.40G>A (p.Gly14Ser)

Gene: CEP63 (centrosomal protein 63; plus strand). Cytogenetic location: 3q22.2.
Variant type: single nucleotide variant.
Coding change: c.40G>A on transcript NM_001353108.3 (MANE Select); coding-DNA position 40, G replaced by A.
Protein change: p.Gly14Ser; replaces glycine 14 with serine.
Molecular consequence: missense variant. On other transcripts: nonsense (1), 5 prime UTR variant (2), non-coding transcript variant (4).
Genome position (GRCh38, 1-based): chr3:134,495,360, G>A. VCF-style: chr3-134495360-G-A. GRCh37 (hg19) VCF-style: chr3-134214202-G-A.
Other names: c.40G>A, p.Gly14Ser (NM_001042383.2, NM_001042384.2, NM_001042400.3 and 13 more transcripts); c.71G>A, p.Trp24Ter (NM_001353118.1); c.-41G>A (NM_001353125.2); c.-342G>A (NM_001353126.2); short protein forms W24*, G14S.
Identifiers: ClinVar variation 2968193 (VCV002968193.3), dbSNP rs137894197, ClinGen allele CA2628228.